The following is an entry in ClinVar:

NM_001040108.2(MLH3):c.1584G>T (p.Trp528Cys)

Gene: MLH3 (mutL homolog 3; minus strand). Cytogenetic location: 14q24.3.
Variant type: single nucleotide variant.
Coding change: c.1584G>T on transcript NM_001040108.2 (MANE Select); coding-DNA position 1584, G replaced by T.
Protein change: p.Trp528Cys; replaces tryptophan 528 with cysteine.
Molecular consequence: missense variant.
Genome position (GRCh38, 1-based): chr14:75,048,072, C>A on the plus strand (G>T on the coding strand, the complement: MLH3 is on the minus strand). VCF-style: chr14-75048072-C-A. GRCh37 (hg19) VCF-style: chr14-75514775-C-A.
Other names: c.1584G>T, p.Trp528Cys (NM_014381.3); short protein forms W528C.
Identifiers: ClinVar variation 2040108 (VCV002040108.5), dbSNP rs2503291783, ClinGen allele CA390444971.

ClinVar aggregate classification (germline): Uncertain significance. Review status: criteria provided, multiple submitters, no conflicts (2 of 4 stars). 2 submissions from 2 submitters: Uncertain significance (2). Last evaluated 2025-08-22.

Conditions:
Colorectal cancer, hereditary nonpolyposis, type 7. Identifiers: Orphanet 144, MedGen C1858380, MONDO:0013725, OMIM 614385.

Submissions (2):

Ambry Genetics
Classification: Uncertain significance. Last evaluated: 2025-08-22. Review status: criteria provided, single submitter. Criteria: Ambry Variant Classification Scheme 2023. Collection method: clinical testing. Allele origin: germline.
Comment: The p.W528C variant (also known as c.1584G>T), located in coding exon 1 of the MLH3 gene, results from a G to T substitution at nucleotide position 1584. The tryptophan at codon 528 is replaced by cysteine, an amino acid with highly dissimilar properties. This amino acid position is conserved. In addition, this alteration is predicted to be tolerated by in silico analysis. Based on the available evidence, the clinical significance of this variant remains unclear.

Labcorp Genetics (formerly Invitae), Labcorp
Classification: Uncertain significance for Colorectal cancer, hereditary nonpolyposis, type 7. Last evaluated: 2024-04-15. Review status: criteria provided, single submitter. Criteria: Invitae Variant Classification Sherloc (09022015). Collection method: clinical testing. Allele origin: germline.
Comment: This sequence change replaces tryptophan, which is neutral and slightly polar, with cysteine, which is neutral and slightly polar, at codon 528 of the MLH3 protein (p.Trp528Cys). This variant is not present in population databases (gnomAD no frequency). This variant has not been reported in the literature in individuals affected with MLH3-related conditions. ClinVar contains an entry for this variant (Variation ID: 2040108). An algorithm developed to predict the effect of missense changes on protein structure and function (PolyPhen-2) suggests that this variant is likely to be tolerated. In summary, the available evidence is currently insufficient to determine the role of this variant in disease. Therefore, it has been classified as a Variant of Uncertain Significance.